The following is an entry in ClinVar:

NM_000193.4(SHH):c.301-13_301-5del

Gene: SHH (sonic hedgehog signaling molecule; minus strand). Cytogenetic location: 7q36.3.
Variant type: Deletion.
Coding change: c.301-13_301-5del on transcript NM_000193.4 (MANE Select); 13 bases into the intron before coding-DNA position 301 through 5 bases into the intron before coding-DNA position 301, 9 bases deleted (CTTGTCTTC; older notation c.301-13_301-5delCTTGTCTTC).
Molecular consequence: intron variant.
Genome position (GRCh38, 1-based): chr7:155,806,562-155,806,570, GAAGACAAG deleted on the plus strand (CTTGTCTTC on the coding strand, the reverse complement: SHH is on the minus strand); deleting any 9 consecutive bases within chr7:155,806,562-155,806,571 gives the same sequence; the c. name uses the placement nearest the transcript's 3' end. VCF-style (leftmost placement, unchanged base first): chr7-155806561-CGAAGACAAG-C. GRCh37 (hg19) VCF-style: chr7-155599255-CGAAGACAAG-C.
Other names: c.40-13_40-5del (NM_001310462.2).
Identifiers: ClinVar variation 1310148 (VCV001310148.2), dbSNP rs2117138228, ClinGen allele CA2573052849.

ClinVar aggregate classification (germline): Uncertain significance (1 of 4 stars; one submission).

Submission:

GeneDx
Classification: Uncertain significance. Last evaluated: 2021-03-12. Review status: criteria provided, single submitter. Criteria: GeneDx Variant Classification Process June 2021. Collection method: clinical testing. Allele origin: germline. Affected: yes.
Comment: Not observed in large population cohorts (Lek et al., 2016); In silico analysis, which includes splice predictors and evolutionary conservation, supports a deleterious effect; Has not been previously published as pathogenic or benign to our knowledge